The following is an entry in ClinVar:

ClinVar aggregate classification (germline): Uncertain significance. Review status: criteria provided, multiple submitters, no conflicts (2 of 4 stars). 2 submissions from 2 submitters: Uncertain significance (2). Last evaluated 2024-03-13.

Submissions (2):

Labcorp Genetics (formerly Invitae), Labcorp
Classification: Uncertain significance. Last evaluated: 2024-03-13. Review status: criteria provided, single submitter. Criteria: Invitae Variant Classification Sherloc (09022015). Collection method: clinical testing. Allele origin: germline.
Comment: This sequence change replaces glycine, which is neutral and non-polar, with arginine, which is basic and polar, at codon 17 of the COL9A3 protein (p.Gly17Arg). This variant is not present in population databases (gnomAD no frequency). This variant has not been reported in the literature in individuals affected with COL9A3-related conditions. ClinVar contains an entry for this variant (Variation ID: 2652509). Advanced modeling of protein sequence and biophysical properties (such as structural, functional, and spatial information, amino acid conservation, physicochemical variation, residue mobility, and thermodynamic stability) performed at Invitae indicates that this missense variant is not expected to disrupt COL9A3 protein function with a negative predictive value of 95%. In summary, the available evidence is currently insufficient to determine the role of this variant in disease. Therefore, it has been classified as a Variant of Uncertain Significance.

CeGaT Center for Human Genetics Tuebingen
Classification: Uncertain significance. Last evaluated: 2022-10-01. Review status: criteria provided, single submitter. Criteria: CeGaT Center For Human Genetics Tuebingen Variant Classification Criteria Version 2. Collection method: clinical testing. Allele origin: germline. Affected: yes. Observed: 1 variant allele.
Comment: COL9A3: PM2, PP3

NM_001853.4(COL9A3):c.49G>C (p.Gly17Arg)

Gene: COL9A3 (collagen type IX alpha 3 chain; plus strand). Cytogenetic location: 20q13.33.
Variant type: single nucleotide variant.
Coding change: c.49G>C on transcript NM_001853.4 (MANE Select); coding-DNA position 49, G replaced by C.
Protein change: p.Gly17Arg; replaces glycine 17 with arginine.
Molecular consequence: missense variant.
Genome position (GRCh38, 1-based): chr20:62,817,113, G>C. VCF-style: chr20-62817113-G-C. GRCh37 (hg19) VCF-style: chr20-61448465-G-C.
Other names: short protein forms G17R.
Identifiers: ClinVar variation 2652509 (VCV002652509.27), dbSNP rs1449199068, ClinGen allele CA409586851.